The following is an entry in ClinVar:

ClinVar aggregate classification (germline): Pathogenic (1 of 4 stars; one submission).

Submission:

GeneDx
Classification: Pathogenic. Last evaluated: 2018-06-22. Review status: criteria provided, single submitter. Criteria: GeneDx Variant Classification (06012015). Collection method: clinical testing. Allele origin: germline. Affected: yes.
Comment: This duplication of one nucleotide in MSH6 is denoted c.3563dupG at the cDNA level and p.Ser1188ArgfsX6 (S1188RfsX6) at the protein level. The normal sequence, with the base that is duplicated in brackets, is GAAA[dupG]TACA. The duplication causes a frameshift which changes a Serine to an Arginine at codon 1188, and creates a premature stop codon at position 6 of the new reading frame. Although this variant has not, to our knowledge, been reported in the literature, it is predicted to cause loss of normal protein function through either protein truncation or nonsense-mediated mRNA decay. We consider this variant to be pathogenic.

NM_000179.3(MSH6):c.3563dup (p.Ser1188fs)

Gene: MSH6 (mutS homolog 6; plus strand). Cytogenetic location: 2p16.3.
Variant type: Duplication.
Coding change: c.3563dup on transcript NM_000179.3 (MANE Select); coding-DNA position 3563, one base duplicated (G; older notation c.3563dupG).
Protein change: p.Ser1188fs; shifts the reading frame from serine 1188.
Molecular consequence: frameshift variant.
Genome position (GRCh38, 1-based): chr2:47,805,624, G duplicated. VCF-style (leftmost placement, unchanged base first): chr2-47805623-A-AG. GRCh37 (hg19) VCF-style: chr2-48032762-A-AG.
Other names: c.3173dup, p.Ser1058fs (NM_001281492.2); c.2657dup, p.Ser886fs (NM_001281493.2, NM_001281494.2); c.3563dupG (NM_000179.2); short protein forms S1058fs, S1188fs, S886fs.
Identifiers: ClinVar variation 545854 (VCV000545854.2), dbSNP rs1553332639, ClinGen allele CA658822266.